The following is an entry in ClinVar:

ClinVar aggregate classification (germline): Benign/Likely benign. Review status: criteria provided, multiple submitters, no conflicts (2 of 4 stars). 3 submissions from 3 submitters: Benign (1); Likely benign (2). Last evaluated 2026-05-24.

Conditions:
Colorectal cancer, susceptibility to, 12 (CRCS12). Also called: COLORECTAL CANCER, SUSCEPTIBILITY TO, ON CHROMOSOME 12q24. Identifiers: Orphanet 220460, MedGen C3554460, MONDO:0014038, OMIM 615083.
Hereditary cancer-predisposing syndrome. Also called: Tumor predisposition; Hereditary neoplastic syndrome; Neoplastic Syndromes, Hereditary; Hereditary Cancer Syndrome. Identifiers: Orphanet 140162, MedGen C0027672, MeSH D009386, MONDO:0015356.

Allele frequency attached by ClinVar (database versions not stated): gnomAD 0.00001.
gnomAD v4.1: 1 of 1,613,356 alleles (0.000062%); highest among the groups gnomAD compares: East Asian, 0.0022%; no homozygotes.

Submissions (3):

Ambry Genetics
Classification: Likely benign for Hereditary cancer-predisposing syndrome. Last evaluated: 2026-05-24. Review status: criteria provided, single submitter. Criteria: Ambry Variant Classification Scheme 2023. Collection method: clinical testing. Allele origin: germline.

Myriad Genetics, Inc.
Classification: Benign for Colorectal cancer, susceptibility to, 12. Last evaluated: 2025-02-10. Review status: criteria provided, single submitter. Criteria: Myriad Autosomal Dominant, Autosomal Recessive and X-Linked Classification Criteria (2023). Collection method: clinical testing. Allele origin: unknown.
Comment: This variant is considered benign. This variant is a silent/synonymous amino acid change and it is not expected to impact splicing.

Labcorp Genetics (formerly Invitae), Labcorp
Classification: Likely benign. Last evaluated: 2023-09-27. Review status: criteria provided, single submitter. Criteria: Invitae Variant Classification Sherloc (09022015). Collection method: clinical testing. Allele origin: germline.

NM_006231.4(POLE):c.1329C>T (p.Asp443=)

Gene: POLE (DNA polymerase epsilon, catalytic subunit; minus strand). Cytogenetic location: 12q24.33.
Variant type: single nucleotide variant.
Coding change: c.1329C>T on transcript NM_006231.4 (MANE Select); coding-DNA position 1329, C replaced by T.
Protein change: p.Asp443=; no amino-acid change (aspartic acid 443 retained).
Molecular consequence: synonymous variant.
Genome position (GRCh38, 1-based): chr12:132,673,605, G>A on the plus strand (C>T on the coding strand, the complement: POLE is on the minus strand). VCF-style: chr12-132673605-G-A. GRCh37 (hg19) VCF-style: chr12-133250191-G-A.
Other names: c.1329C>T (NM_006231.2).
Identifiers: ClinVar variation 2763881 (VCV002763881.5), dbSNP rs1250005011, ClinGen allele CA482722775.